The following is an entry in ClinVar:

ClinVar aggregate classification (germline): Uncertain significance (1 of 4 stars; one submission).

Allele frequency attached by ClinVar (database versions not stated): TOPMed below 0.00001.

Submission:

Labcorp Genetics (formerly Invitae), Labcorp
Classification: Uncertain significance. Last evaluated: 2021-03-26. Review status: criteria provided, single submitter. Criteria: Invitae Variant Classification Sherloc (09022015). Collection method: clinical testing. Allele origin: germline.
Comment: This variant is not present in population databases (ExAC no frequency). In summary, the available evidence is currently insufficient to determine the role of this variant in disease. Therefore, it has been classified as a Variant of Uncertain Significance. Algorithms developed to predict the effect of missense changes on protein structure and function are either unavailable or do not agree on the potential impact of this missense change (SIFT: "Deleterious"; PolyPhen-2: "Probably Damaging"; Align-GVGD: "Class C0"). This variant has not been reported in the literature in individuals with SLC7A14-related conditions. This sequence change replaces arginine with histidine at codon 28 of the SLC7A14 protein (p.Arg28His). The arginine residue is moderately conserved and there is a small physicochemical difference between arginine and histidine.

NM_020949.3(SLC7A14):c.83G>A (p.Arg28His)

Genes: SLC7A14 (solute carrier family 7 member 14; minus strand), SLC7A14-AS1 (SLC7A14 antisense RNA 1; plus strand). Cytogenetic location: 3q26.2.
Variant type: single nucleotide variant.
Coding change: c.83G>A on transcript NM_020949.3 (MANE Select); coding-DNA position 83, G replaced by A.
Protein change: p.Arg28His; replaces arginine 28 with histidine.
Molecular consequence: missense variant.
Genome position (GRCh38, 1-based): chr3:170,526,854, C>T on the plus strand (G>A on the coding strand, the complement: SLC7A14 is on the minus strand). VCF-style: chr3-170526854-C-T. GRCh37 (hg19) VCF-style: chr3-170244643-C-T.
Other names: short protein forms R28H.
Identifiers: ClinVar variation 959446 (VCV000959446.9), dbSNP rs1713523503, ClinGen allele CA355520261.
Genomic context (GRCh38, chr3:170,526,854, plus strand): 5'-TTAGTTCCATGTGCCGTGGTGGTCCCAGTTCCCTCTAGCATGGACTCCACTGGTTTGGTG[C>T]GTAGGATCCTGGAGTGCATTGCATACCAGGCAGCTCCCCACTGCACCCGCCGGGGGTCCA-3'
Protein context (NP_066000.2, residues 18-38): AWYAMHSRIL[Arg28His]TKPVESMLEG